The following is an entry in ClinVar:

NM_000815.5(GABRD):c.758A>T (p.Gln253Leu)

Gene: GABRD (gamma-aminobutyric acid type A receptor subunit delta; plus strand). Cytogenetic location: 1p36.33.
Variant type: single nucleotide variant.
Coding change: c.758A>T on transcript NM_000815.5 (MANE Select); coding-DNA position 758, A replaced by T.
Protein change: p.Gln253Leu; replaces glutamine 253 with leucine.
Molecular consequence: missense variant.
Genome position (GRCh38, 1-based): chr1:2,029,177, A>T. VCF-style: chr1-2029177-A-T. GRCh37 (hg19) VCF-style: chr1-1960616-A-T.
Other names: c.758A>T (NM_000815.4); short protein forms Q253L.
Identifiers: ClinVar variation 2908142 (VCV002908142.6), dbSNP rs2525644106, ClinGen allele CA337959129.
Genomic context (GRCh38, chr1:2,029,177, plus strand): 5'-AGTTCCCACGGCTCAGCCTGCACTTCCACCTGCGGAGGAACCGCGGCGTGTACATCATCC[A>T]ATCCTACATGCCCTCCGTCCTGCTGGTCGCCATGTCCTGGGTCTCCTTCTGGATCAGCCA-3'
Protein context (NP_000806.2, residues 243-263): LRRNRGVYII[Gln253Leu]SYMPSVLLVA

ClinVar aggregate classification (germline): Uncertain significance. Review status: criteria provided, multiple submitters, no conflicts (2 of 4 stars). 3 submissions from 3 submitters: Uncertain significance (3). Last evaluated 2026-05-18.

Conditions:
Inborn genetic diseases. Identifiers: MedGen C0950123, MeSH D030342.
Idiopathic generalized epilepsy. Also called: Generalised epilepsy; EIG. Identifiers: MedGen C0270850, MONDO:0005579, OMIM 600669.

Submissions (3):

Ambry Genetics
Classification: Uncertain significance for Inborn genetic diseases. Last evaluated: 2026-05-18. Review status: criteria provided, single submitter. Criteria: Ambry Variant Classification Scheme 2023. Collection method: clinical testing. Allele origin: germline.
Comment: The c.758A>T (p.Q253L) alteration is located in exon 7 (coding exon 7) of the GABRD gene. This alteration results from a A to T substitution at nucleotide position 758, causing the glutamine (Q) at amino acid position 253 to be replaced by a leucine (L). This variant was not reported in population-based cohorts in the Genome Aggregation Database (gnomAD). This amino acid position is highly conserved in available vertebrate species. This missense variant is located in a region that has a low rate of benign missense variation (Lek, 2016; Firth, 2009). This alteration is predicted to be deleterious by in silico analysis. Based on insufficient or conflicting evidence, the clinical significance of this alteration remains unclear.

GeneDx
Classification: Uncertain significance. Last evaluated: 2025-12-09. Review status: criteria provided, single submitter. Criteria: GeneDx Variant Classification Process June 2021. Collection method: clinical testing. Allele origin: germline.
Comment: Not observed at significant frequency in large population cohorts (gnomAD); In silico analysis supports that this missense variant has a deleterious effect on protein structure/function; Has not been previously published as pathogenic or benign to our knowledge

Labcorp Genetics (formerly Invitae), Labcorp
Classification: Uncertain significance for Idiopathic generalized epilepsy. Last evaluated: 2024-01-31. Review status: criteria provided, single submitter. Criteria: Invitae Variant Classification Sherloc (09022015). Collection method: clinical testing. Allele origin: germline.
Comment: This sequence change replaces glutamine, which is neutral and polar, with leucine, which is neutral and non-polar, at codon 253 of the GABRD protein (p.Gln253Leu). This variant is not present in population databases (gnomAD no frequency). This variant has not been reported in the literature in individuals affected with GABRD-related conditions. An algorithm developed to predict the effect of missense changes on protein structure and function (PolyPhen-2) suggests that this variant is likely to be disruptive. In summary, the available evidence is currently insufficient to determine the role of this variant in disease. Therefore, it has been classified as a Variant of Uncertain Significance.